The following is an entry in ClinVar:

NM_004595.5(SMS):c.207G>T (p.Val69=)

Gene: SMS (spermine synthase; plus strand). Cytogenetic location: Xp22.11.
Variant type: single nucleotide variant.
Coding change: c.207G>T on transcript NM_004595.5 (MANE Select); coding-DNA position 207, G replaced by T.
Protein change: p.Val69=; no amino-acid change (valine 69 retained).
Molecular consequence: synonymous variant. On other transcripts: intron variant (1).
Genome position (GRCh38, 1-based): chrX:21,971,933, G>T. VCF-style: chrX-21971933-G-T. GRCh37 (hg19) VCF-style: chrX-21990051-G-T.
Other names: c.170+4617G>T (NM_001258423.2).
Identifiers: ClinVar variation 4874949 (VCV004874949.2).

ClinVar aggregate classification (germline): Uncertain significance (1 of 4 stars; one submission).

Submission:

CeGaT Center for Human Genetics Tuebingen
Classification: Uncertain significance. Last evaluated: 2026-05-01. Review status: criteria provided, single submitter. Criteria: CeGaT Center For Human Genetics Tuebingen Variant Classification Criteria Version 2. Collection method: clinical testing. Allele origin: germline. Affected: yes. Observed: 1 variant allele.
Comment: SMS: PM2:Supporting, BP4